The following is an entry in ClinVar:

NM_014915.3(ANKRD26):c.3157T>G (p.Ser1053Ala)

Gene: ANKRD26 (ankyrin repeat domain 26; minus strand). Cytogenetic location: 10p12.1.
Variant type: single nucleotide variant.
Coding change: c.3157T>G on transcript NM_014915.3 (MANE Select); coding-DNA position 3157, T replaced by G.
Protein change: p.Ser1053Ala; replaces serine 1053 with alanine.
Molecular consequence: missense variant.
Genome position (GRCh38, 1-based): chr10:27,035,293, A>C on the plus strand (T>G on the coding strand, the complement: ANKRD26 is on the minus strand). VCF-style: chr10-27035293-A-C. GRCh37 (hg19) VCF-style: chr10-27324222-A-C.
Other names: c.3154T>G, p.Ser1052Ala (NM_001256053.2); short protein forms S1052A, S1053A.
Identifiers: ClinVar variation 4825308 (VCV004825308.1).
Genomic context (GRCh38, chr10:27,035,293, plus strand): 5'-GTTTACTTTCAGTTTTAAATAGTTGTTGAGAAAGAATCTCATTGTTATCTTTTAGGTTAG[A>C]CACATCAAAATTCATTTTGTCCTGTAAACGAGAACATTCATCTCTTGCTCTCTGGAAAGC-3'
Protein context (NP_055730.2, residues 1043-1063): RLQDKMNFDV[Ser1053Ala]NLKDNNEILS

ClinVar aggregate classification (germline): Uncertain significance (1 of 4 stars; one submission).

Conditions:
Inborn genetic diseases. Identifiers: MedGen C0950123, MeSH D030342.

gnomAD v4.1: 2 of 1,613,888 alleles (0.00012%); highest among the groups gnomAD compares: Non-Finnish European, 0.00017%; no homozygotes.

Submission:

Ambry Genetics
Classification: Uncertain significance for Inborn genetic diseases. Last evaluated: 2026-01-18. Review status: criteria provided, single submitter. Criteria: Ambry Variant Classification Scheme 2023. Collection method: clinical testing. Allele origin: germline.
Comment: The p.S1053A variant (also known as c.3157T>G), located in coding exon 24 of the ANKRD26 gene, results from a T to G substitution at nucleotide position 3157. The serine at codon 1053 is replaced by alanine, an amino acid with similar properties. This amino acid position is conserved. In addition, this alteration is predicted to be tolerated by in silico analysis. Based on the available evidence, the clinical significance of this variant remains unclear.